The following is an entry in ClinVar:

NC_000003.11:g.(?_65762253)_(66313823_?)dup

Genes: MAGI1 (membrane associated guanylate kinase, WW and PDZ domain containing 1; minus strand), SLC25A26 (solute carrier family 25 member 26; plus strand). Cytogenetic location: 3p14.1.
Variant type: Duplication.
Identifiers: ClinVar variation 2423906 (VCV002423906.4).

ClinVar aggregate classification (germline): Uncertain significance (1 of 4 stars; one submission).

Submission:

Labcorp Genetics (formerly Invitae), Labcorp
Classification: Uncertain significance. Last evaluated: 2022-06-01. Review status: criteria provided, single submitter. Criteria: Invitae Variant Classification Sherloc (09022015). Collection method: clinical testing. Allele origin: germline.
Comment: This variant results in a copy number gain of the genomic region encompassing exon(s) 1-4 of the SLC25A26 gene. This region includes the initiator codon of the gene. This copy number gain extends beyond the assayed region for this gene and therefore may encompass additional genes. As the precise location of this event is unknown, it may be in tandem or it may be located elsewhere in the genome. This variant has not been reported in the literature in individuals affected with SLC25A26-related conditions. In summary, the available evidence is currently insufficient to determine the role of this variant in disease. Therefore, it has been classified as a Variant of Uncertain Significance.